The following is an entry in ClinVar:

ClinVar aggregate classification (germline): Uncertain significance (1 of 4 stars; one submission).

Conditions:
Tumor predisposition syndrome 3 (TPDS3). Also called: Melanoma, cutaneous malignant, susceptibility to, 10; Glioma susceptibility 9; LONG TELOMERE SYNDROME, POT1-RELATED; POT1 Tumor Predisposition. Identifiers: Orphanet 618, MedGen C4014476, MONDO:0014368, OMIM 615848.

Submission:

Labcorp Genetics (formerly Invitae), Labcorp
Classification: Uncertain significance for Tumor predisposition syndrome 3. Last evaluated: 2023-06-24. Review status: criteria provided, single submitter. Criteria: Invitae Variant Classification Sherloc (09022015). Collection method: clinical testing. Allele origin: germline.
Comment: In summary, the available evidence is currently insufficient to determine the role of this variant in disease. Therefore, it has been classified as a Variant of Uncertain Significance. Experimental studies and prediction algorithms are not available or were not evaluated, and the functional significance of this variant is currently unknown. This variant has not been reported in the literature in individuals affected with POT1-related conditions. A copy number gain of the genomic region encompassing the full coding sequence of the POT1 gene has been identified. The boundaries of this event are unknown as they extend beyond the assayed region for this gene and therefore may encompass additional genes. As the precise location of this event is unknown, it may be in tandem or it may be located elsewhere in the genome.

NC_000007.13:g.(?_124464016)_(124537227_?)dup

Gene: POT1 (protection of telomeres 1; minus strand). Cytogenetic location: 7q31.33.
Variant type: Duplication.
Identifiers: ClinVar variation 2426150 (VCV002426150.5).